The following is an entry in ClinVar:

ClinVar aggregate classification (germline): Uncertain significance (1 of 4 stars; one submission).

Submission:

Labcorp Genetics (formerly Invitae), Labcorp
Classification: Uncertain significance. Last evaluated: 2022-03-24. Review status: criteria provided, single submitter. Criteria: Invitae Variant Classification Sherloc (09022015). Collection method: clinical testing. Allele origin: germline.
Comment: In summary, the available evidence is currently insufficient to determine the role of this variant in disease. Therefore, it has been classified as a Variant of Uncertain Significance. Experimental studies and prediction algorithms are not available or were not evaluated, and the functional significance of this variant is currently unknown. This variant has not been reported in the literature in individuals affected with SLC25A12-related conditions. This variant results in a copy number gain of the genomic region encompassing exon(s) 4-18 of the SLC25A12 gene. This region includes the termination codon of the gene. This copy number gain extends beyond the assayed region for this gene and therefore may encompass additional genes. As the precise location of this event is unknown, it may be in tandem or it may be located elsewhere in the genome.

NC_000002.11:g.(?_172641784)_(172712479_?)dup

Gene: SLC25A12 (solute carrier family 25 member 12; minus strand). Cytogenetic location: 2q31.1.
Variant type: Duplication.
Identifiers: ClinVar variation 2424737 (VCV002424737.4).